The following is an entry in ClinVar:

ClinVar aggregate classification (germline): Uncertain significance (1 of 4 stars; one submission).

Conditions:
Aortic aneurysm, familial thoracic 7 (AAT7). Also called: AORTIC DISSECTION, FAMILIAL, WITH OR WITHOUT AORTIC ANEURYSM. Identifiers: MedGen C3151077, MONDO:0013418, OMIM 613780.

Allele frequency attached by ClinVar (database versions not stated): ExAC 0.00002; TOPMed 0.00002; gnomAD 0.00010; 1000 Genomes Project 30x 0.00016; 1000 Genomes Project 0.00020.
gnomAD v4.1: 13 of 1,614,066 alleles (0.00081%); highest among the groups gnomAD compares: East Asian, 0.025%; no homozygotes.

Submission:

Labcorp Genetics (formerly Invitae), Labcorp
Classification: Uncertain significance for Aortic aneurysm, familial thoracic 7. Last evaluated: 2024-04-10. Review status: criteria provided, single submitter. Criteria: Invitae Variant Classification Sherloc (09022015). Collection method: clinical testing. Allele origin: germline.
Comment: This sequence change replaces serine, which is neutral and polar, with tryptophan, which is neutral and slightly polar, at codon 243 of the MYLK protein (p.Ser243Trp). This variant is present in population databases (rs202126043, gnomAD 0.04%). This missense change has been observed in individual(s) with MYLK-related conditions (PMID: 33064175). ClinVar contains an entry for this variant (Variation ID: 539090). Advanced modeling of protein sequence and biophysical properties (such as structural, functional, and spatial information, amino acid conservation, physicochemical variation, residue mobility, and thermodynamic stability) performed at Invitae indicates that this missense variant is not expected to disrupt MYLK protein function with a negative predictive value of 95%. In summary, the available evidence is currently insufficient to determine the role of this variant in disease. Therefore, it has been classified as a Variant of Uncertain Significance.

Literature cited by the submitters: PubMed 33064175.

NM_053025.4(MYLK):c.728C>G (p.Ser243Trp)

Gene: MYLK (myosin light chain kinase; minus strand). Cytogenetic location: 3q21.1.
Variant type: single nucleotide variant.
Coding change: c.728C>G on transcript NM_053025.4 (MANE Select); coding-DNA position 728, C replaced by G.
Protein change: p.Ser243Trp; replaces serine 243 with tryptophan.
Molecular consequence: missense variant.
Genome position (GRCh38, 1-based): chr3:123,737,404, G>C on the plus strand (C>G on the coding strand, the complement: MYLK is on the minus strand). VCF-style: chr3-123737404-G-C. GRCh37 (hg19) VCF-style: chr3-123456251-G-C.
Other names: c.200C>G, p.Ser67Trp (NM_001321309.2); c.728C>G, p.Ser243Trp (NM_053026.4, NM_053027.4, NM_053028.4); short protein forms S243W, S67W.
Identifiers: ClinVar variation 539090 (VCV000539090.8), dbSNP rs202126043, ClinGen allele CA073500.